The following is an entry in ClinVar:

ClinVar aggregate classification (germline): Conflicting classifications of pathogenicity. Review status: criteria provided, conflicting classifications (1 of 4 stars). 2 submissions from 2 submitters: Likely pathogenic (1); Uncertain significance (1). Last evaluated 2026-01-10.

Conditions:
Feingold syndrome type 1 (FGLDS1). Also called: OCULODIGITOESOPHAGODUODENAL SYNDROME; ODED SYNDROME; MICROCEPHALY AND DIGITAL ABNORMALITIES WITH NORMAL INTELLIGENCE; MICROCEPHALY, MENTAL RETARDATION, AND TRACHEOESOPHAGEAL FISTULA SYNDROME; MICROCEPHALY-OCULO-DIGITO-ESOPHAGEAL-DUODENAL SYNDROME. Identifiers: Orphanet 1305, Orphanet 391641, MedGen C4551774, MONDO:0008115, OMIM 164280.

Submissions (2):

Labcorp Genetics (formerly Invitae), Labcorp
Classification: Uncertain significance. Last evaluated: 2026-01-10. Review status: criteria provided, single submitter. Criteria: Invitae Variant Classification Sherloc (09022015). Collection method: clinical testing. Allele origin: germline.
Comment: This sequence change replaces leucine, which is neutral and non-polar, with phenylalanine, which is neutral and non-polar, at codon 397 of the MYCN protein (p.Leu397Phe). This variant is not present in population databases (gnomAD no frequency). This variant has not been reported in the literature in individuals affected with MYCN-related conditions. Invitae Evidence Modeling of protein sequence and biophysical properties (such as structural, functional, and spatial information, amino acid conservation, physicochemical variation, residue mobility, and thermodynamic stability) has been performed for this missense variant. However, the output from this modeling did not meet the statistical confidence thresholds required to predict the impact of this variant on MYCN protein function. In summary, the available evidence is currently insufficient to determine the role of this variant in disease. Therefore, it has been classified as a Variant of Uncertain Significance.

Institute of Human Genetics, Heidelberg University
Classification: Likely pathogenic for Feingold syndrome type 1. Last evaluated: 2025-11-26. Review status: criteria provided, single submitter. Criteria: ACMG Guidelines, 2015. Collection method: clinical testing. Allele origin: maternal. Affected: yes. Observed: 2 variant alleles.
Comment: PM2_supp, PP3_mod, PP4_strong

NM_005378.6(MYCN):c.1189C>T (p.Leu397Phe)

Gene: MYCN (MYCN proto-oncogene, bHLH transcription factor; plus strand). Cytogenetic location: 2p24.3.
Variant type: single nucleotide variant.
Coding change: c.1189C>T on transcript NM_005378.6 (MANE Select); coding-DNA position 1189, C replaced by T.
Protein change: p.Leu397Phe; replaces leucine 397 with phenylalanine.
Molecular consequence: missense variant. On other transcripts: 3 prime UTR variant (1).
Genome position (GRCh38, 1-based): chr2:15,945,891, C>T. VCF-style: chr2-15945891-C-T. GRCh37 (hg19) VCF-style: chr2-16086013-C-T.
Other names: c.1189C>T, p.Leu397Phe (NM_001293228.2); c.556C>T, p.Leu186Phe (NM_001293231.2); c.*1124C>T (NM_001293233.2); short protein forms L186F, L397F.
Identifiers: ClinVar variation 4684975 (VCV004684975.2).